The following is an entry in ClinVar:

ClinVar aggregate classification (germline): Uncertain significance (1 of 4 stars; one submission).

Conditions:
LAMA2-related muscular dystrophy (LAMA2-RD). Also called: Laminin alpha 2-related dystrophy. Identifiers: MedGen C5679788, MONDO:0100228.

Allele frequency attached by ClinVar (database versions not stated): gnomAD exomes below 0.00001.

Submission:

Labcorp Genetics (formerly Invitae), Labcorp
Classification: Uncertain significance for LAMA2-related muscular dystrophy. Last evaluated: 2021-11-26. Review status: criteria provided, single submitter. Criteria: Invitae Variant Classification Sherloc (09022015). Collection method: clinical testing. Allele origin: germline.
Comment: In summary, the available evidence is currently insufficient to determine the role of this variant in disease. Therefore, it has been classified as a Variant of Uncertain Significance. Advanced modeling of protein sequence and biophysical properties (such as structural, functional, and spatial information, amino acid conservation, physicochemical variation, residue mobility, and thermodynamic stability) performed at Invitae indicates that this missense variant is not expected to disrupt LAMA2 protein function. This variant has not been reported in the literature in individuals affected with LAMA2-related conditions. This variant is not present in population databases (gnomAD no frequency). This sequence change replaces glutamic acid, which is acidic and polar, with lysine, which is basic and polar, at codon 509 of the LAMA2 protein (p.Glu509Lys).

NM_000426.4(LAMA2):c.1525G>A (p.Glu509Lys)

Gene: LAMA2 (laminin subunit alpha 2; plus strand). Cytogenetic location: 6q22.33.
Variant type: single nucleotide variant.
Coding change: c.1525G>A on transcript NM_000426.4 (MANE Select); coding-DNA position 1525, G replaced by A.
Protein change: p.Glu509Lys; replaces glutamic acid 509 with lysine.
Molecular consequence: missense variant.
Genome position (GRCh38, 1-based): chr6:129,190,262, G>A. VCF-style: chr6-129190262-G-A. GRCh37 (hg19) VCF-style: chr6-129511407-G-A.
Other names: c.1525G>A, p.Glu509Lys (NM_001079823.2); short protein forms E509K.
Identifiers: ClinVar variation 2001433 (VCV002001433.4), dbSNP rs2482767285, ClinGen allele CA365607884.